The following is an entry in ClinVar:

ClinVar aggregate classification (germline): Likely pathogenic (1 of 4 stars; one submission).

Conditions:
ARCN1-related disorder. Also called: ARCN1-related condition.

Submission:

PreventionGenetics, part of Exact Sciences
Classification: Likely pathogenic for ARCN1-related condition. Last evaluated: 2026-04-08. Review status: criteria provided, single submitter. Criteria: ACMG Guidelines, 2015. Collection method: clinical testing. Allele origin: germline.
Comment: The ARCN1 c.800_803delinsGGG variant is predicted to result in a frameshift and premature protein termination (p.Pro267Argfs*10). To our knowledge, this variant has not been reported in the literature or in a large population database (gnomAD), indicating this variant is rare. Frameshift variants in ARCN1 are expected to be pathogenic. This variant is interpreted as likely pathogenic.

NM_001655.5(ARCN1):c.800_803delinsGGG (p.Pro267fs)

Gene: ARCN1 (archain 1 coat protein complex I subunit delta; plus strand). Cytogenetic location: 11q23.3.
Variant type: Indel.
Coding change: c.800_803delinsGGG on transcript NM_001655.5 (MANE Select); coding-DNA positions 800 to 803, CACC replaced by GGG.
Protein change: p.Pro267fs; shifts the reading frame from proline 267.
Molecular consequence: frameshift variant. On other transcripts: non-coding transcript variant (2), intron variant (1).
Genome position (GRCh38, 1-based): chr11:118,584,626-118,584,629, CACC replaced by GGG. VCF-style: chr11-118584626-CACC-GGG. GRCh37 (hg19) VCF-style: chr11-118455341-CACC-GGG.
Other names: c.536_539delinsGGG, p.Pro179fs (NM_001142281.2, NM_001425081.1); c.800_803delinsGGG, p.Pro267fs (NM_001425073.1, NM_001425078.1); c.797_800delinsGGG, p.Pro266fs (NM_001425074.1, NM_001425079.1); c.743_746delinsGGG, p.Pro248fs (NM_001425075.1); c.731_734delinsGGG, p.Pro244fs (NM_001425076.1); c.356_359delinsGGG, p.Pro119fs (NM_001425080.1); c.653+612_653+615delinsGGG (NM_001425077.1); short protein forms P119fs, P248fs, P267fs, P244fs, P266fs, P179fs.
Identifiers: ClinVar variation 4993597 (VCV004993597.1).